The following is an entry in ClinVar:

ClinVar aggregate classification (germline): Uncertain significance. Review status: criteria provided, multiple submitters, no conflicts (2 of 4 stars). 3 submissions from 3 submitters: Uncertain significance (2). 1 of the submissions does not count toward it. Last evaluated 2025-12-02.

Conditions:
Charcot-Marie-Tooth disease. Also called: Charcot-Marie-Tooth Neuropathy; Charcot-Marie-Tooth Hereditary Neuropathy. Identifiers: Orphanet 166, MedGen C0007959, MONDO:0015626.
Charcot-Marie-Tooth disease type 2. Also called: Charcot-Marie-Tooth type 2. Identifiers: Orphanet 64746, MedGen C0270914, MONDO:0018993.

Allele frequency attached by ClinVar (database versions not stated): ExAC 0.00001; TOPMed 0.00002; gnomAD exomes 0.00001; gnomAD 0.00001; ESP Exome Variant Server 0.00008.
gnomAD v4.1: 18 of 1,614,120 alleles (0.0011%); highest among the groups gnomAD compares: Non-Finnish European, 0.0014%; no homozygotes.

Submissions (3):

GeneDx
Classification: Uncertain significance. Last evaluated: 2025-12-02. Review status: criteria provided, single submitter. Criteria: GeneDx Variant Classification Process June 2021. Collection method: clinical testing. Allele origin: germline. Affected: yes.
Comment: Not observed at significant frequency in large population cohorts (gnomAD); In silico analysis suggests that this missense variant does not alter protein structure/function; Has not been previously published as pathogenic or benign to our knowledge; This variant is associated with the following publications: (PMID: 25817015)

Labcorp Genetics (formerly Invitae), Labcorp
Classification: Uncertain significance for Charcot-Marie-Tooth disease type 2. Last evaluated: 2025-08-01. Review status: criteria provided, single submitter. Criteria: Invitae Variant Classification Sherloc (09022015). Collection method: clinical testing. Allele origin: germline.
Comment: This sequence change replaces lysine, which is basic and polar, with arginine, which is basic and polar, at codon 650 of the AARS protein (p.Lys650Arg). This variant is present in population databases (rs142233951, gnomAD 0.003%). This variant has not been reported in the literature in individuals affected with AARS-related conditions. ClinVar contains an entry for this variant (Variation ID: 429803). Invitae Evidence Modeling of protein sequence and biophysical properties (such as structural, functional, and spatial information, amino acid conservation, physicochemical variation, residue mobility, and thermodynamic stability) indicates that this missense variant is not expected to disrupt AARS protein function with a negative predictive value of 95%. In summary, the available evidence is currently insufficient to determine the role of this variant in disease. Therefore, it has been classified as a Variant of Uncertain Significance.

Genesis Genome Database
Classification: Uncertain significance for Charcot-Marie-Tooth disease. Last evaluated: 2019-08-14. Review status: no assertion criteria provided. Collection method: research. Allele origin: germline. Affected: yes. Not counted in ClinVar's aggregate classification.

NM_001605.3(AARS1):c.1949A>G (p.Lys650Arg)

Gene: AARS1 (alanyl-tRNA synthetase 1; minus strand). Cytogenetic location: 16q22.1.
Variant type: single nucleotide variant.
Coding change: c.1949A>G on transcript NM_001605.3 (MANE Select); coding-DNA position 1949, A replaced by G.
Protein change: p.Lys650Arg; replaces lysine 650 with arginine.
Molecular consequence: missense variant.
Genome position (GRCh38, 1-based): chr16:70,259,023, T>C on the plus strand (A>G on the coding strand, the complement: AARS1 is on the minus strand). VCF-style: chr16-70259023-T-C. GRCh37 (hg19) VCF-style: chr16-70292926-T-C.
Other names: short protein forms K650R.
Identifiers: ClinVar variation 429803 (VCV000429803.11), dbSNP rs142233951, ClinGen allele CA8140627.
Genomic context (GRCh38, chr16:70,259,023, plus strand): 5'-GCCGTCGCCCATCCTACCTTGGCTGCCTCAATCATCTCATTAGCAATCTCTTCAGCCTTC[T>C]TGATCTGTTGGGTGGACATGGCTCCCTTGGCAGTAAAGTCAAATCTGAGGCGGTCAGGAG-3'
Protein context (NP_001596.2, residues 640-660): AKGAMSTQQI[Lys650Arg]KAEEIANEMI